The following is an entry in ClinVar:

ClinVar aggregate classification (germline): Uncertain significance (1 of 4 stars; one submission).

Allele frequency attached by ClinVar (database versions not stated): gnomAD exomes below 0.00001.
gnomAD v4.1: 1 of 1,607,480 alleles (0.000062%); highest among the groups gnomAD compares: Non-Finnish European, 0.000085%; no homozygotes.

Submission:

Labcorp Genetics (formerly Invitae), Labcorp
Classification: Uncertain significance. Last evaluated: 2022-02-06. Review status: criteria provided, single submitter. Criteria: Invitae Variant Classification Sherloc (09022015). Collection method: clinical testing. Allele origin: germline.
Comment: In summary, the available evidence is currently insufficient to determine the role of this variant in disease. Therefore, it has been classified as a Variant of Uncertain Significance. Algorithms developed to predict the effect of missense changes on protein structure and function are either unavailable or do not agree on the potential impact of this missense change (SIFT: "Deleterious"; PolyPhen-2: "Benign"; Align-GVGD: "Class C65"). This variant has not been reported in the literature in individuals affected with MYO3A-related conditions. This variant is not present in population databases (gnomAD no frequency). This sequence change replaces asparagine, which is neutral and polar, with lysine, which is basic and polar, at codon 456 of the MYO3A protein (p.Asn456Lys).

NM_017433.5(MYO3A):c.1368C>G (p.Asn456Lys)

Gene: MYO3A (myosin IIIA; plus strand). Cytogenetic location: 10p12.1.
Variant type: single nucleotide variant.
Coding change: c.1368C>G on transcript NM_017433.5 (MANE Select); coding-DNA position 1368, C replaced by G.
Protein change: p.Asn456Lys; replaces asparagine 456 with lysine.
Molecular consequence: missense variant.
Genome position (GRCh38, 1-based): chr10:26,088,211, C>G. VCF-style: chr10-26088211-C-G. GRCh37 (hg19) VCF-style: chr10-26377140-C-G.
Other names: short protein forms N456K.
Identifiers: ClinVar variation 2093900 (VCV002093900.4), dbSNP rs1836462770, ClinGen allele CA376335687.